The following is an entry in ClinVar:

ClinVar aggregate classification (germline): Uncertain significance (1 of 4 stars; one submission).

Allele frequency attached by ClinVar (database versions not stated): gnomAD exomes 0.00001 and 0.00002; ExAC 0.00002; gnomAD 0.00002; TOPMed 0.00002.
gnomAD v4.1: 7 of 1,612,260 alleles (0.00043%); highest among the groups gnomAD compares: Admixed American, 0.012%; no homozygotes.

Submission:

Labcorp Genetics (formerly Invitae), Labcorp
Classification: Uncertain significance. Last evaluated: 2023-07-17. Review status: criteria provided, single submitter. Criteria: Invitae Variant Classification Sherloc (09022015). Collection method: clinical testing. Allele origin: germline.
Comment: In summary, the available evidence is currently insufficient to determine the role of this variant in disease. Therefore, it has been classified as a Variant of Uncertain Significance. Algorithms developed to predict the effect of missense changes on protein structure and function output the following: SIFT: "Not Available"; PolyPhen-2: "Benign"; Align-GVGD: "Not Available". The valine amino acid residue is found in multiple mammalian species, which suggests that this missense change does not adversely affect protein function. ClinVar contains an entry for this variant (Variation ID: 1462633). This variant has not been reported in the literature in individuals affected with ASPM-related conditions. This variant is present in population databases (rs758783903, gnomAD 0.01%). This sequence change replaces isoleucine, which is neutral and non-polar, with valine, which is neutral and non-polar, at codon 3077 of the ASPM protein (p.Ile3077Val).

NM_018136.5(ASPM):c.9229A>G (p.Ile3077Val)

Gene: ASPM (assembly factor for spindle microtubules; minus strand). Cytogenetic location: 1q31.3.
Variant type: single nucleotide variant.
Coding change: c.9229A>G on transcript NM_018136.5 (MANE Select); coding-DNA position 9229, A replaced by G.
Protein change: p.Ile3077Val; replaces isoleucine 3077 with valine.
Molecular consequence: missense variant.
Genome position (GRCh38, 1-based): chr1:197,093,117, T>C on the plus strand (A>G on the coding strand, the complement: ASPM is on the minus strand). VCF-style: chr1-197093117-T-C. GRCh37 (hg19) VCF-style: chr1-197062247-T-C.
Other names: c.4474A>G, p.Ile1492Val (NM_001206846.2); short protein forms I3077V, I1492V.
Identifiers: ClinVar variation 1462633 (VCV001462633.7), dbSNP rs758783903, ClinGen allele CA1309008.
Genomic context (GRCh38, chr1:197,093,117, plus strand): 5'-TTCGTACTAGCCAACCACGCACCAGTGCTTGTAGGATAACTGTAGATTTTTTAAATTCAA[T>C]ATATTTTATCCTTTCATGCTTTCCAGCCTCCCTGGCTCGTATATATTTTTGTATGATCAA-3'
Protein context (NP_060606.3, residues 3067-3087): EAGKHERIKY[Ile3077Val]EFKKSTVILQ